The following is an entry in ClinVar:

NM_007325.5(GRIA3):c.1373T>C (p.Leu458Pro)

Gene: GRIA3 (glutamate ionotropic receptor AMPA type subunit 3; plus strand). Cytogenetic location: Xq25.
Variant type: single nucleotide variant.
Coding change: c.1373T>C on transcript NM_007325.5 (MANE Select); coding-DNA position 1373, T replaced by C.
Protein change: p.Leu458Pro; replaces leucine 458 with proline.
Molecular consequence: missense variant.
Genome position (GRCh38, 1-based): chrX:123,404,787, T>C. VCF-style: chrX-123404787-T-C. GRCh37 (hg19) VCF-style: chrX-122538638-T-C.
Other names: c.1373T>C, p.Leu458Pro (NM_000828.5); short protein forms L458P.
Identifiers: ClinVar variation 3236820 (VCV003236820.1), dbSNP rs2521173320.
Genomic context (GRCh38, chrX:123,404,787, plus strand): 5'-ACAAGAAGAACCATGAGCAACTGGAAGGAAATGAACGATATGAAGGCTATTGTGTAGACC[T>C]AGCCTATGAAATAGCCAAACATGTAAGGATCAAATACAAATTGTCCATCGTTGGTGACGG-3'
Protein context (NP_015564.5, residues 448-468): NERYEGYCVD[Leu458Pro]AYEIAKHVRI

ClinVar aggregate classification (germline): Likely pathogenic (1 of 4 stars; one submission).

Conditions:
Syndromic X-linked intellectual disability 94 (MRXSW). Also called: MENTAL RETARDATION, X-LINKED, SYNDROMIC 29; X-linked intellectual disability due to GRIA3 anomalies. Identifiers: Orphanet 364028, MedGen C2678051, MONDO:0010402, OMIM 300699.

Submission:

MVZ Medizinische Genetik Mainz
Classification: Likely pathogenic for Syndromic X-linked intellectual disability 94. Last evaluated: 2024-03-07. Review status: criteria provided, single submitter. Criteria: UK Practice Guidelines For Variant Classification V4 01 2020. Collection method: clinical testing. Allele origin: germline. Inheritance: X-linked dominant inheritance. Affected: yes. Observed: 1 variant allele.
Comment: ACMG Criteria: PP3_STR,PM2_SUP,PP2